The following is an entry in ClinVar:

NC_012920.1(MT-CYB):m.14976G>A

Gene: MT-CYB (mitochondrially encoded cytochrome b; plus strand).
Variant type: single nucleotide variant.
Genome position: chrM-14976-G-A.
Identifiers: ClinVar variation 693800 (VCV000693800.1), dbSNP rs1603224997, ClinGen allele CA913172606.

ClinVar aggregate classification (germline): Uncertain significance (1 of 4 stars; one submission).

Conditions:
Leigh syndrome (NULS). Also called: Leigh's necrotizing encephalopathy; Leigh's disease; Leigh's syndrome; LEIGH SYNDROME, NUCLEAR; Leigh Syndrome (mtDNA deletion); Leigh Disease. Identifiers: Orphanet 506, MedGen C2931891, MONDO:0009723, OMIM 256000.

Submission:

Wong Mito Lab, Molecular and Human Genetics, Baylor College of Medicine
Classification: Uncertain significance for Leigh syndrome. Last evaluated: 2019-10-17. Review status: criteria provided, single submitter. Criteria: Modified ACMG Guidelines (Unpublished). Collection method: clinical testing. Allele origin: germline.
Comment: The NC_012920.1:m.14976G>A (YP_003024038.1:p.Trp77Ter) variant in MTCYB gene is interpretated to be a Uncertain Significance variant based on the modified ACMG guidelines (unpublished). This variant meets the following evidence codes: PP7